The following is an entry in ClinVar:

ClinVar aggregate classification (germline): Uncertain significance (1 of 4 stars; one submission).

Conditions:
Inborn genetic diseases. Identifiers: MedGen C0950123, MeSH D030342.

gnomAD v4.1: 1 of 1,614,090 alleles (0.000062%); highest among the groups gnomAD compares: Non-Finnish European, 0.000085%; no homozygotes.

Submission:

Ambry Genetics
Classification: Uncertain significance for Inborn genetic diseases. Last evaluated: 2026-03-17. Review status: criteria provided, single submitter. Criteria: Ambry Variant Classification Scheme 2023. Collection method: clinical testing. Allele origin: germline.
Comment: The p.N939S variant (also known as c.2816A>G), located in coding exon 12 of the BMPR2 gene, results from an A to G substitution at nucleotide position 2816. The asparagine at codon 939 is replaced by serine, an amino acid with highly similar properties. This amino acid position is conserved. In addition, this alteration is predicted to be tolerated by in silico analysis. Based on the available evidence, the clinical significance of this variant remains unclear.

NM_001204.7(BMPR2):c.2816A>G (p.Asn939Ser)

Gene: BMPR2 (bone morphogenetic protein receptor type 2; plus strand). Cytogenetic location: 2q33.2.
Variant type: single nucleotide variant.
Coding change: c.2816A>G on transcript NM_001204.7 (MANE Select); coding-DNA position 2816, A replaced by G.
Protein change: p.Asn939Ser; replaces asparagine 939 with serine.
Molecular consequence: missense variant.
Genome position (GRCh38, 1-based): chr2:202,556,481, A>G. VCF-style: chr2-202556481-A-G. GRCh37 (hg19) VCF-style: chr2-203421204-A-G.
Other names: short protein forms N939S.
Identifiers: ClinVar variation 4867576 (VCV004867576.1).
Genomic context (GRCh38, chr2:202,556,481, plus strand): 5'-GTGTTCCAAGCACAGCAGCAGATCCTGGGCCATCAAAGCCCAGAAGAGCACAGAGGCCTA[A>G]TTCTCTGGATCTTTCAGCCACAAATGTCCTGGATGGCAGCAGTATACAGAGTAAGTGGAG-3'
Protein context (NP_001195.2, residues 929-949): PSKPRRAQRP[Asn939Ser]SLDLSATNVL